The following is an entry in ClinVar:

ClinVar aggregate classification (germline): Benign/Likely benign. Review status: criteria provided, multiple submitters, no conflicts (2 of 4 stars). 5 submissions from 5 submitters: Benign (1); Likely benign (4). Last evaluated 2026-01-19.

Conditions:
Hereditary cancer-predisposing syndrome. Also called: Neoplastic Syndromes, Hereditary; Hereditary neoplastic syndrome; Hereditary Cancer Syndrome; Tumor predisposition. Identifiers: Orphanet 140162, MedGen C0027672, MeSH D009386, MONDO:0015356.
Hereditary diffuse gastric adenocarcinoma (HDGC). Also called: DIFFUSE GASTRIC AND LOBULAR BREAST CANCER SYNDROME. Identifiers: Orphanet 26106, MedGen C1708349, MONDO:0007648, OMIM 137215.

Allele frequency attached by ClinVar (database versions not stated): gnomAD 0.00001; gnomAD exomes 0.00002 and 0.00004; ExAC 0.00004; TOPMed 0.00005.
gnomAD v4.1: 65 of 1,613,608 alleles (0.004%); highest among the groups gnomAD compares: Non-Finnish European, 0.0053%; no homozygotes.

Submissions (5):

Labcorp Genetics (formerly Invitae), Labcorp
Classification: Likely benign. Last evaluated: 2026-01-19. Review status: criteria provided, single submitter. Criteria: Invitae Variant Classification Sherloc (09022015). Collection method: clinical testing. Allele origin: germline.

Center for Genomic Medicine, Rigshospitalet, Copenhagen University Hospital
Classification: Likely benign. Last evaluated: 2025-03-04. Review status: criteria provided, single submitter. Criteria: ACMG Guidelines, 2015. Collection method: clinical testing. Allele origin: germline.

Myriad Genetics, Inc.
Classification: Benign for Hereditary diffuse gastric adenocarcinoma. Last evaluated: 2024-10-14. Review status: criteria provided, single submitter. Criteria: Myriad Autosomal Dominant, Autosomal Recessive and X-Linked Classification Criteria (2023). Collection method: clinical testing. Allele origin: unknown.
Comment: This variant is considered benign. This variant is a silent/synonymous amino acid change and it is not expected to impact splicing.

Blueprint Genetics
Classification: Likely benign. Last evaluated: 2024-04-22. Review status: criteria provided, single submitter. Criteria: ACMG Guidelines, 2015. Collection method: clinical testing. Allele origin: germline.

Ambry Genetics
Classification: Likely benign for Hereditary cancer-predisposing syndrome. Last evaluated: 2019-03-06. Review status: criteria provided, single submitter. Criteria: Ambry Variant Classification Scheme 2023. Collection method: clinical testing. Allele origin: germline.

NM_001903.5(CTNNA1):c.2148C>G (p.Ala716=)

Gene: CTNNA1 (catenin alpha 1; plus strand). Cytogenetic location: 5q31.2.
Variant type: single nucleotide variant.
Coding change: c.2148C>G on transcript NM_001903.5 (MANE Select); coding-DNA position 2148, C replaced by G.
Protein change: p.Ala716=; no amino-acid change (alanine 716 retained).
Molecular consequence: synonymous variant.
Genome position (GRCh38, 1-based): chr5:138,930,610, C>G. VCF-style: chr5-138930610-C-G. GRCh37 (hg19) VCF-style: chr5-138266299-C-G.
Other names: c.2148C>G, p.Ala716= (NM_001290307.3, NM_001323982.2, NM_001323983.1 and 2 more transcripts); c.1839C>G, p.Ala613= (NM_001290309.3); c.1779C>G, p.Ala593= (NM_001290310.3); c.1038C>G, p.Ala346= (NM_001290312.1, NM_001323987.1, NM_001323988.1 and 17 more transcripts); c.2055C>G, p.Ala685= (NM_001323986.2); c.699C>G, p.Ala233= (NM_001324006.1, NM_001324007.1, NM_001324008.1 and 2 more transcripts); c.945C>G, p.Ala315= (NM_001324011.1); c.795C>G, p.Ala265= (NM_001324012.1, NM_001324013.1).
Identifiers: ClinVar variation 699955 (VCV000699955.18), dbSNP rs775187806, ClinGen allele CA3432120.